The following is an entry in ClinVar:

NM_000478.6(ALPL):c.1179C>G (p.Asn393Lys)

Gene: ALPL (alkaline phosphatase, biomineralization associated; plus strand). Cytogenetic location: 1p36.12.
Variant type: single nucleotide variant.
Coding change: c.1179C>G on transcript NM_000478.6 (MANE Select); coding-DNA position 1179, C replaced by G.
Protein change: p.Asn393Lys; replaces asparagine 393 with lysine.
Molecular consequence: missense variant.
Genome position (GRCh38, 1-based): chr1:21,575,914, C>G. VCF-style: chr1-21575914-C-G. GRCh37 (hg19) VCF-style: chr1-21902407-C-G.
Other names: c.1014C>G, p.Asn338Lys (NM_001127501.4); c.948C>G, p.Asn316Lys (NM_001177520.3); c.1179C>G, p.Asn393Lys (NM_001369803.2, NM_001369804.2, NM_001369805.2); short protein forms N316K, N338K, N393K.
Identifiers: ClinVar variation 4799873 (VCV004799873.1).

ClinVar aggregate classification (germline): Likely pathogenic (1 of 4 stars; one submission).

Submission:

Labcorp Genetics (formerly Invitae), Labcorp
Classification: Likely pathogenic. Last evaluated: 2025-06-17. Review status: criteria provided, single submitter. Criteria: Invitae Variant Classification Sherloc (09022015). Collection method: clinical testing. Allele origin: germline.
Comment: This sequence change replaces asparagine, which is neutral and polar, with lysine, which is basic and polar, at codon 393 of the ALPL protein (p.Asn393Lys). This variant is not present in population databases (gnomAD no frequency). This variant has not been reported in the literature in individuals affected with ALPL-related conditions. Invitae Evidence Modeling of protein sequence and biophysical properties (such as structural, functional, and spatial information, amino acid conservation, physicochemical variation, residue mobility, and thermodynamic stability) indicates that this missense variant is expected to disrupt ALPL protein function with a positive predictive value of 95%. This variant disrupts the p.Asn393 amino acid residue in ALPL. Other variant(s) that disrupt this residue have been determined to be pathogenic (SOURCE: 34712267). This suggests that this residue is clinically significant, and that variants that disrupt this residue are likely to be disease-causing. In summary, the currently available evidence indicates that the variant is pathogenic, but additional data are needed to prove that conclusively. Therefore, this variant has been classified as Likely Pathogenic.